The following is an entry in ClinVar:

ClinVar aggregate classification (germline): Uncertain significance (1 of 4 stars; one submission).

Conditions:
Van Maldergem syndrome 2 (VMLDS2). Identifiers: Orphanet 314679, MedGen C3809875, MONDO:0014242, OMIM 615546.

gnomAD v4.1: 2 of 1,582,870 alleles (0.00013%); highest among the groups gnomAD compares: Non-Finnish European, 0.000086%; no homozygotes.

Submission:

Clinical Genomics Laboratory, Washington University in St. Louis
Classification: Uncertain significance for Van Maldergem syndrome 2. Last evaluated: 2024-09-19. Review status: criteria provided, single submitter. Criteria: ACMG Guidelines, 2015. Collection method: clinical testing. Allele origin: germline.
Comment: A FAT4 c.12455T>C (p.Leu4152Ser) variant was identified at a near heterozygous allelic fraction of 50.84%, a frequency which may be consistent with germline origin. This variant, to our knowledge, has not been reported in the medical literature or in the ClinVar database. This variant is observed on 2/1,582,870 alleles in the general population, (gnomAD v.4.1.0), indicating it is not a common variant. Computational predictors are uncertain as to the impact of this variant on FAT4 function. Due to limited information, and based on the ACMG/AMP guidelines for variant interpretation (Richards S et al., PMID: 25741868), the FAT4 c.12455T>C (p.Leu4152Ser) variant is classified as a variant of uncertain significance at this time.

NM_001291303.3(FAT4):c.12455T>C (p.Leu4152Ser)

Gene: FAT4 (FAT atypical cadherin 4; plus strand). Cytogenetic location: 4q28.1.
Variant type: single nucleotide variant.
Coding change: c.12455T>C on transcript NM_001291303.3 (MANE Select); coding-DNA position 12455, T replaced by C.
Protein change: p.Leu4152Ser; replaces leucine 4152 with serine.
Molecular consequence: missense variant.
Genome position (GRCh38, 1-based): chr4:125,477,310, T>C. VCF-style: chr4-125477310-T-C. GRCh37 (hg19) VCF-style: chr4-126398465-T-C.
Other names: c.12455T>C, p.Leu4152Ser (NM_001291285.3); c.12449T>C, p.Leu4150Ser (NM_024582.6); short protein forms L4150S, L4152S.
Identifiers: ClinVar variation 3600443 (VCV003600443.1).